The following is an entry in ClinVar:

NM_015450.3(POT1):c.38C>A (p.Pro13His)

Gene: POT1 (protection of telomeres 1; minus strand). Cytogenetic location: 7q31.33.
Variant type: single nucleotide variant.
Coding change: c.38C>A on transcript NM_015450.3 (MANE Select); coding-DNA position 38, C replaced by A.
Protein change: p.Pro13His; replaces proline 13 with histidine.
Molecular consequence: missense variant. On other transcripts: 5 prime UTR variant (1), non-coding transcript variant (3).
Genome position (GRCh38, 1-based): chr7:124,892,352, G>T on the plus strand (C>A on the coding strand, the complement: POT1 is on the minus strand). VCF-style: chr7-124892352-G-T. GRCh37 (hg19) VCF-style: chr7-124532406-G-T.
Other names: c.-225C>A (NM_001042594.2); short protein forms P13H.
Identifiers: ClinVar variation 2182965 (VCV002182965.4), dbSNP rs2485562872, ClinGen allele CA369066233.

ClinVar aggregate classification (germline): Uncertain significance (1 of 4 stars; one submission).

Conditions:
Tumor predisposition syndrome 3 (TPDS3). Also called: Melanoma, cutaneous malignant, susceptibility to, 10; Glioma susceptibility 9; LONG TELOMERE SYNDROME, POT1-RELATED; POT1 Tumor Predisposition. Identifiers: Orphanet 618, MedGen C4014476, MONDO:0014368, OMIM 615848.

Submission:

Labcorp Genetics (formerly Invitae), Labcorp
Classification: Uncertain significance for Tumor predisposition syndrome 3. Last evaluated: 2022-10-17. Review status: criteria provided, single submitter. Criteria: Invitae Variant Classification Sherloc (09022015). Collection method: clinical testing. Allele origin: germline.
Comment: In summary, the available evidence is currently insufficient to determine the role of this variant in disease. Therefore, it has been classified as a Variant of Uncertain Significance. Advanced modeling of protein sequence and biophysical properties (such as structural, functional, and spatial information, amino acid conservation, physicochemical variation, residue mobility, and thermodynamic stability) performed at Invitae indicates that this missense variant is not expected to disrupt POT1 protein function. This variant has not been reported in the literature in individuals affected with POT1-related conditions. This variant is not present in population databases (gnomAD no frequency). This sequence change replaces proline, which is neutral and non-polar, with histidine, which is basic and polar, at codon 13 of the POT1 protein (p.Pro13His).